The following is an entry in ClinVar:

NM_004881.5(TP53I3):c.755C>G (p.Ser252Ter)

Genes: FAM228B (family with sequence similarity 228 member B; plus strand), TP53I3 (tumor protein p53 inducible protein 3; minus strand). Cytogenetic location: 2p23.3.
Variant type: single nucleotide variant.
Coding change: c.755C>G on transcript NM_004881.5 (MANE Select); coding-DNA position 755, C replaced by G.
Protein change: p.Ser252Ter; replaces serine 252 with a stop codon.
Molecular consequence: nonsense. On other transcripts: intron variant (2).
Genome position (GRCh38, 1-based): chr2:24,079,505, G>C on the plus strand (C>G on the coding strand, the complement: TP53I3 is on the minus strand). VCF-style: chr2-24079505-G-C. GRCh37 (hg19) VCF-style: chr2-24302375-G-C.
Other names: c.755C>G, p.Ser252Ter (NM_147184.4); c.-289-1371G>C (NM_001291328.2); c.619+1314C>G (NM_001206802.2); short protein forms S252*.
Identifiers: ClinVar variation 3053556 (VCV003053556.2), dbSNP rs145078765, ClinGen allele CA1549555.
Genomic context (GRCh38, chr2:24,079,505, plus strand): 5'-TTATTGTCCCTAGACCTCAGCAAACTGGTGATCAGACTTCCTCGCTTAAAAAGTAGCTTT[G>C]AAAACAGGGGCCCATTGATGTCACCTCCTCCCATCAGACCATAGAGAACCCATCGACCAT-3'

ClinVar aggregate classification (germline): Likely benign (0 of 4 stars; one submission).

Conditions:
TP53I3-related disorder. Also called: TP53I3-related condition.

Allele frequency attached by ClinVar (database versions not stated): ESP Exome Variant Server 0.00062; ExAC 0.00093; gnomAD 0.00085; TOPMed 0.00052.
gnomAD v4.1: 1,131 of 1,614,114 alleles (0.07%); highest among the groups gnomAD compares: Non-Finnish European, 0.083%; 3 homozygotes.

Submission:

PreventionGenetics, part of Exact Sciences
Classification: Likely benign for TP53I3-related condition. Last evaluated: 2022-07-19. Review status: no assertion criteria provided. Collection method: clinical testing. Allele origin: germline.
Comment: This variant is classified as likely benign based on ACMG/AMP sequence variant interpretation guidelines (Richards et al. 2015 PMID: 25741868, with internal and published modifications).